The following is an entry in ClinVar:

NM_000540.3(RYR1):c.2767A>G (p.Met923Val)

Gene: RYR1 (ryanodine receptor 1; plus strand). Cytogenetic location: 19q13.2.
Variant type: single nucleotide variant.
Coding change: c.2767A>G on transcript NM_000540.3 (MANE Select); coding-DNA position 2767, A replaced by G.
Protein change: p.Met923Val; replaces methionine 923 with valine.
Molecular consequence: missense variant.
Genome position (GRCh38, 1-based): chr19:38,463,831, A>G. VCF-style: chr19-38463831-A-G. GRCh37 (hg19) VCF-style: chr19-38954471-A-G.
Other names: c.2767A>G, p.Met923Val (NM_001042723.2); short protein forms M923V.
Identifiers: ClinVar variation 946704 (VCV000946704.10), dbSNP rs149913097, ClinGen allele CA063927.

ClinVar aggregate classification (germline): Uncertain significance. Review status: criteria provided, multiple submitters, no conflicts (2 of 4 stars). 4 submissions from 4 submitters: Uncertain significance (4). Last evaluated 2026-02-13.

Conditions:
RYR1-related disorder. Also called: RYR1-related disorders; RYR1-related condition. Identifiers: MedGen CN239331.
Congenital multicore myopathy with external ophthalmoplegia (CMYO1B). Also called: Congenital myopathy 1B, autosomal recessive; Minicore myopathy; MULTIMINICORE DISEASE WITH EXTERNAL OPHTHALMOPLEGIA; MULTICORE MYOPATHY; Minicore myopathy with external ophthalmoplegia. Identifiers: Orphanet 598, Orphanet 98905, MedGen C1850674, MONDO:0009712, OMIM 255320, HP:0003789.
King Denborough syndrome (KDS). Identifiers: MedGen C1840365, MONDO:0020485, OMIM 619542.
Malignant hyperthermia, susceptibility to, 1 (MHS1). Also called: Malignant hyperthermia suceptibility 1; RYR1-Related Malignant Hyperthermia Susceptibility; Anesthesia related hyperthermia; Malignant hyperpyrexia; Fulminating hyperpyrexia; Pharmacogenic myopathy. Identifiers: Orphanet 423, MedGen C2930980, MONDO:0007783, OMIM 145600.
Central core myopathy (CMYO1A). Also called: CONGENITAL MYOPATHY 1A, AUTOSOMAL DOMINANT, WITH SUSCEPTIBILITY TO MALIGNANT HYPERTHERMIA; Central core disease; Myopathy, central fibrillar. Identifiers: Orphanet 597, MedGen C5830701, MONDO:0007294, OMIM 117000.
Congenital myopathy with fiber type disproportion. Also called: Congenital fiber-type disproportion myopathy; Congenital fiber-type disproportion. Identifiers: Orphanet 2020, MedGen C0546264, MONDO:0009711. Inheritance: all.

Allele frequency attached by ClinVar (database versions not stated): gnomAD exomes 0.00003; ExAC 0.00004; gnomAD 0.00015; 1000 Genomes Project 30x 0.00016; TOPMed 0.00017; 1000 Genomes Project 0.00020; ESP Exome Variant Server 0.00031.
gnomAD v4.1: 36 of 1,601,500 alleles (0.0022%); highest among the groups gnomAD compares: African/African-American, 0.047%; no homozygotes.

Submissions (4):

OLLIN Analises Genomicas, OLLIN
Classification: Uncertain significance for Malignant hyperthermia, susceptibility to, 1. Last evaluated: 2026-02-13. Review status: criteria provided, single submitter. Criteria: ACMG Guidelines 2015 PMID 25741868. Collection method: clinical testing. Allele origin: germline. Observed: 1 variant allele.

Labcorp Genetics (formerly Invitae), Labcorp
Classification: Uncertain significance for RYR1-related disorder. Last evaluated: 2025-11-04. Review status: criteria provided, single submitter. Criteria: Invitae Variant Classification Sherloc (09022015). Collection method: clinical testing. Allele origin: germline.
Comment: This sequence change replaces methionine, which is neutral and non-polar, with valine, which is neutral and non-polar, at codon 923 of the RYR1 protein (p.Met923Val). This variant is present in population databases (rs149913097, gnomAD 0.05%). This variant has not been reported in the literature in individuals affected with RYR1-related conditions. ClinVar contains an entry for this variant (Variation ID: 946704). Invitae Evidence Modeling of protein sequence and biophysical properties (such as structural, functional, and spatial information, amino acid conservation, physicochemical variation, residue mobility, and thermodynamic stability) has been performed for this missense variant. However, the output from this modeling did not meet the statistical confidence thresholds required to predict the impact of this variant on RYR1 protein function. Algorithms developed to predict the effect of sequence changes on RNA splicing suggest that this variant may disrupt the consensus splice site. In summary, the available evidence is currently insufficient to determine the role of this variant in disease. Therefore, it has been classified as a Variant of Uncertain Significance.

Color Diagnostics, LLC DBA Color Health
Classification: Uncertain significance for Malignant hyperthermia, susceptibility to, 1. Last evaluated: 2024-02-02. Review status: criteria provided, single submitter. Criteria: ACMG Guidelines, 2015. Collection method: clinical testing. Allele origin: germline.
Comment: This missense variant replaces methionine with valine at codon 923 of the RYR1 protein. Computational prediction is inconclusive regarding the impact of this variant on protein structure and function. To our knowledge, functional studies have not been reported for this variant. This variant has not been reported in individuals affected with RYR1-related disorders in the literature. This variant has been identified in 12/282684 chromosomes in the general population by the Genome Aggregation Database (gnomAD). The available evidence is insufficient to determine the role of this variant in disease conclusively. Therefore, this variant is classified as a Variant of Uncertain Significance.

Fulgent Genetics
Classification: Uncertain significance for Central core myopathy; Malignant hyperthermia, susceptibility to, 1; Congenital myopathy 4A, autosomal dominant; Congenital multicore myopathy with external ophthalmoplegia; King Denborough syndrome. Last evaluated: 2021-08-24. Review status: criteria provided, single submitter. Criteria: ACMG Guidelines, 2015. Collection method: clinical testing. Allele origin: unknown.